The following is an entry in ClinVar:

ClinVar aggregate classification (germline): Benign/Likely benign. Review status: criteria provided, multiple submitters, no conflicts (2 of 4 stars). 6 submissions from 6 submitters: Benign (3); Likely benign (3). Last evaluated 2026-01-26.

Conditions:
Ehlers-Danlos syndrome, classic type, 2 (EDSCL2). Also called: Ehlers-Danlos syndrome, type 2; Ehlers-Danlos syndrome type 2 (formerly); Ehlers-Danlos Syndrome, Classic Type, COL5A2-Related. Identifiers: Orphanet 287, Orphanet 90318, MedGen C0268336, MONDO:0019568, OMIM 130010.
Ehlers-Danlos syndrome, classic type, 1 (EDSCL1). Also called: EHLERS-DANLOS SYNDROME, GRAVIS TYPE; EHLERS-DANLOS SYNDROME, SEVERE CLASSIC TYPE; Ehlers-Danlos syndrome, type 1; Ehlers-Danlos Syndrome, Classic Type, COL5A1-Related; EDS I. Identifiers: MedGen C0268335, MONDO:0019567, OMIM 130000.

Allele frequency attached by ClinVar (database versions not stated): gnomAD 0.00011 and 0.00014; gnomAD exomes 0.00011; ExAC 0.00015; TOPMed 0.00017; ESP Exome Variant Server 0.00031; 1000 Genomes Project 0.00120; 1000 Genomes Project 30x 0.00125.
gnomAD v4.1: 188 of 1,614,014 alleles (0.012%); highest among the groups gnomAD compares: African/African-American, 0.032%; 1 homozygote.

Submissions (6):

Labcorp Genetics (formerly Invitae), Labcorp
Classification: Benign for Ehlers-Danlos syndrome, classic type, 1. Last evaluated: 2026-01-26. Review status: criteria provided, single submitter. Criteria: Invitae Variant Classification Sherloc (09022015). Collection method: clinical testing. Allele origin: germline.

Women's Health and Genetics/Laboratory Corporation of America, LabCorp
Classification: Benign. Last evaluated: 2025-11-28. Review status: criteria provided, single submitter. Criteria: LabCorp Variant Classification Summary - May 2015. Collection method: clinical testing. Allele origin: germline.

ARUP Laboratories, Molecular Genetics and Genomics, ARUP Laboratories
Classification: Likely benign for Ehlers-Danlos syndrome, classic type, 2. Last evaluated: 2025-05-30. Review status: criteria provided, single submitter. Criteria: ARUP Molecular Germline Variant Investigation Process 2024. Collection method: clinical testing. Allele origin: germline.

Blueprint Genetics
Classification: Likely benign. Last evaluated: 2024-11-01. Review status: criteria provided, single submitter. Criteria: ACMG Guidelines, 2015. Collection method: clinical testing. Allele origin: germline.

Illumina Laboratory Services, Illumina
Classification: Likely benign for Ehlers-Danlos syndrome, classic type, 2. Last evaluated: 2018-01-13. Review status: criteria provided, single submitter. Criteria: ICSL Variant Classification Criteria 13 December 2019. Collection method: clinical testing. Allele origin: germline.
Comment: This variant was observed in the ICSL laboratory as part of a predisposition screen in an ostensibly healthy population. It had not been previously curated by ICSL or reported in the Human Gene Mutation Database (HGMD: prior to June 1st, 2018), and was therefore a candidate for classification through an automated scoring system. Utilizing variant allele frequency, disease prevalence and penetrance estimates, and inheritance mode, an automated score was calculated to assess if this variant is too frequent to cause the disease. Based on the score and internal cut-off values, a variant classified as likely benign is not then subjected to further curation. The score for this variant resulted in a classification of likely benign for this disease.

GeneDx
Classification: Benign. Last evaluated: 2015-11-03. Review status: criteria provided, single submitter. Criteria: GeneDx Variant Classification (06012015). Collection method: clinical testing. Allele origin: germline. Affected: yes.
Comment: This variant is considered likely benign or benign based on one or more of the following criteria: it is a conservative change, it occurs at a poorly conserved position in the protein, it is predicted to be benign by multiple in silico algorithms, and/or has population frequency not consistent with disease.

NM_000393.5(COL5A2):c.1977+12T>G

Gene: COL5A2 (collagen type V alpha 2 chain; minus strand). Cytogenetic location: 2q32.2.
Variant type: single nucleotide variant.
Coding change: c.1977+12T>G on transcript NM_000393.5 (MANE Select); 12 bases into the intron after coding-DNA position 1977, T replaced by G.
Molecular consequence: intron variant.
Genome position (GRCh38, 1-based): chr2:189,062,853, A>C on the plus strand (T>G on the coding strand, the complement: COL5A2 is on the minus strand). VCF-style: chr2-189062853-A-C. GRCh37 (hg19) VCF-style: chr2-189927579-A-C.
Identifiers: ClinVar variation 377734 (VCV000377734.15), dbSNP rs202204374, ClinGen allele CA2022506.